The following is an entry in ClinVar:

NM_022167.4(XYLT2):c.371G>C (p.Ser124Thr)

Gene: XYLT2 (xylosyltransferase 2; plus strand). Cytogenetic location: 17q21.33.
Variant type: single nucleotide variant.
Coding change: c.371G>C on transcript NM_022167.4 (MANE Select); coding-DNA position 371, G replaced by C.
Protein change: p.Ser124Thr; replaces serine 124 with threonine.
Molecular consequence: missense variant.
Genome position (GRCh38, 1-based): chr17:50,353,865, G>C. VCF-style: chr17-50353865-G-C. GRCh37 (hg19) VCF-style: chr17-48431226-G-C.
Other names: short protein forms S124T.
Identifiers: ClinVar variation 2081580 (VCV002081580.2), dbSNP rs368979862, ClinGen allele CA8646150.

ClinVar aggregate classification (germline): Uncertain significance (1 of 4 stars; one submission).

Allele frequency attached by ClinVar (database versions not stated): ExAC 0.00005; ESP Exome Variant Server 0.00024; gnomAD 0.00012; TOPMed 0.00012.
gnomAD v4.1: 353 of 1,608,602 alleles (0.022%); highest among the groups gnomAD compares: Non-Finnish European, 0.028%; no homozygotes.

Submission:

Labcorp Genetics (formerly Invitae), Labcorp
Classification: Uncertain significance. Last evaluated: 2023-08-04. Review status: criteria provided, single submitter. Criteria: Invitae Variant Classification Sherloc (09022015). Collection method: clinical testing. Allele origin: germline.
Comment: In summary, the available evidence is currently insufficient to determine the role of this variant in disease. Therefore, it has been classified as a Variant of Uncertain Significance. Advanced modeling of protein sequence and biophysical properties (such as structural, functional, and spatial information, amino acid conservation, physicochemical variation, residue mobility, and thermodynamic stability) performed at Invitae indicates that this missense variant is not expected to disrupt XYLT2 protein function. ClinVar contains an entry for this variant (Variation ID: 2081580). This variant has not been reported in the literature in individuals affected with XYLT2-related conditions. This variant is present in population databases (rs368979862, gnomAD 0.01%). This sequence change replaces serine, which is neutral and polar, with threonine, which is neutral and polar, at codon 124 of the XYLT2 protein (p.Ser124Thr).